The following is an entry in ClinVar:

NM_181458.4(PAX3):c.1378A>G (p.Met460Val)

Gene: PAX3 (paired box 3; minus strand). Cytogenetic location: 2q36.1.
Variant type: single nucleotide variant.
Coding change: c.1378A>G on transcript NM_181458.4 (MANE Select); coding-DNA position 1378, A replaced by G.
Protein change: p.Met460Val; replaces methionine 460 with valine.
Molecular consequence: missense variant. On other transcripts: intron variant (2).
Genome position (GRCh38, 1-based): chr2:222,201,986, T>C on the plus strand (A>G on the coding strand, the complement: PAX3 is on the minus strand). VCF-style: chr2-222201986-T-C. GRCh37 (hg19) VCF-style: chr2-223066705-T-C.
Other names: c.1375A>G, p.Met459Val (NM_001127366.3); c.1378A>G, p.Met460Val (NM_181457.4, NM_181459.4); c.1174-544A>G (NM_181460.4, NM_181461.4); short protein forms M459V, M460V.
Identifiers: ClinVar variation 2442649 (VCV002442649.1), dbSNP rs1407284128, ClinGen allele CA351115501.

ClinVar aggregate classification (germline): Uncertain significance (1 of 4 stars; one submission).

Allele frequency attached by ClinVar (database versions not stated): gnomAD exomes below 0.00001.
gnomAD v4.1: 2 of 1,614,078 alleles (0.00012%); highest among the groups gnomAD compares: Admixed American, 0.0033%; no homozygotes.

Submission:

GeneDx
Classification: Uncertain significance. Last evaluated: 2022-09-06. Review status: criteria provided, single submitter. Criteria: GeneDx Variant Classification Process June 2021. Collection method: clinical testing. Allele origin: germline. Affected: yes.
Comment: In silico analysis supports that this missense variant does not alter protein structure/function; Has not been previously published as pathogenic or benign to our knowledge